The following is an entry in ClinVar:

ClinVar aggregate classification (germline): Likely benign (1 of 4 stars; one submission).

Allele frequency attached by ClinVar (database versions not stated): gnomAD 0.00002; TOPMed 0.00003; ESP Exome Variant Server 0.00008.
gnomAD v4.1: 72 of 1,613,682 alleles (0.0045%); highest among the groups gnomAD compares: Non-Finnish European, 0.0055%; no homozygotes.

Submission:

CeGaT Center for Human Genetics Tuebingen
Classification: Likely benign. Last evaluated: 2022-09-01. Review status: criteria provided, single submitter. Criteria: CeGaT Center For Human Genetics Tuebingen Variant Classification Criteria Version 2. Collection method: clinical testing. Allele origin: germline. Affected: yes. Observed: 1 variant allele.
Comment: NFATC1: BP4, BP7

NM_001278669.2(NFATC1):c.1626C>T (p.Ser542=)

Gene: NFATC1 (nuclear factor of activated T cells 1; plus strand). Cytogenetic location: 18q23.
Variant type: single nucleotide variant.
Coding change: c.1626C>T on transcript NM_001278669.2 (MANE Select); coding-DNA position 1626, C replaced by T.
Protein change: p.Ser542=; no amino-acid change (serine 542 retained).
Molecular consequence: synonymous variant.
Genome position (GRCh38, 1-based): chr18:79,450,990, C>T. VCF-style: chr18-79450990-C-T. GRCh37 (hg19) VCF-style: chr18-77210990-C-T.
Other names: c.1626C>T, p.Ser542= (NM_001278670.2, NM_006162.5, NM_172390.3); c.1587C>T, p.Ser529= (NM_001278672.2, NM_001278675.2, NM_172387.3 and 1 more transcripts); c.210C>T, p.Ser70= (NM_001278673.2, NM_172388.3).
Identifiers: ClinVar variation 2648828 (VCV002648828.24), dbSNP rs368995476, ClinGen allele CA9009288.